The following is an entry in ClinVar:

NM_001631.5(ALPI):c.360C>T (p.Cys120=)

Gene: ALPI (alkaline phosphatase, intestinal; plus strand). Cytogenetic location: 2q37.1.
Variant type: single nucleotide variant.
Coding change: c.360C>T on transcript NM_001631.5 (MANE Select); coding-DNA position 360, C replaced by T.
Protein change: p.Cys120=; no amino-acid change (cysteine 120 retained).
Molecular consequence: synonymous variant.
Genome position (GRCh38, 1-based): chr2:232,456,958, C>T. VCF-style: chr2-232456958-C-T. GRCh37 (hg19) VCF-style: chr2-233321668-C-T.
Other names: p.Cys120=.
Identifiers: ClinVar variation 4684658 (VCV004684658.1).

ClinVar aggregate classification (germline): Likely benign (1 of 4 stars; one submission).

Submission:

Mayo Clinic Laboratories, Mayo Clinic
Classification: Likely benign. Last evaluated: 2025-07-02. Review status: criteria provided, single submitter. Criteria: ACMG Guidelines, 2015. Collection method: clinical testing. Allele origin: germline. Observed: 1 variant allele.
Comment: BP4, BP7